The following is an entry in ClinVar:

NM_004186.5(SEMA3F):c.402G>A (p.Gly134=)

Gene: SEMA3F (semaphorin 3F; plus strand). Cytogenetic location: 3p21.31.
Variant type: single nucleotide variant.
Coding change: c.402G>A on transcript NM_004186.5 (MANE Select); coding-DNA position 402, G replaced by A.
Protein change: p.Gly134=; no amino-acid change (glycine 134 retained).
Molecular consequence: synonymous variant.
Genome position (GRCh38, 1-based): chr3:50,174,296, G>A. VCF-style: chr3-50174296-G-A. GRCh37 (hg19) VCF-style: chr3-50211729-G-A.
Other names: c.198G>A, p.Gly66= (NM_001318798.2); c.402G>A, p.Gly134= (NM_001318800.2).
Identifiers: ClinVar variation 4988289 (VCV004988289.1).
Genomic context (GRCh38, chr3:50,174,296, plus strand): 5'-GTGTGGGAACTTCGTCAGGCTCATCCAGCCCTGGAACCGAACACACCTGTATGTGTGCGG[G>A]ACAGGTGCCTACAACCCCATGTGCACCTATGTGAACCGCGGACGCCGCGCCCAGGTAAGC-3'
Protein context (NP_004177.3, residues 124-144): PWNRTHLYVC[Gly134=]TGAYNPMCTY

ClinVar aggregate classification (germline): Uncertain significance (1 of 4 stars; one submission).

Conditions:
SEMA3F-related disorder. Also called: SEMA3F-related condition.

gnomAD v4.1: 6 of 1,613,322 alleles (0.00037%); highest among the groups gnomAD compares: African/African-American, 0.0053%; no homozygotes.

Submission:

PreventionGenetics, part of Exact Sciences
Classification: Uncertain significance for SEMA3F-related condition. Last evaluated: 2026-06-16. Review status: criteria provided, single submitter. Criteria: ACMG Guidelines, 2015. Collection method: clinical testing. Allele origin: germline.
Comment: The SEMA3F c.402G>A variant is not predicted to result in an amino acid change (p.=). This variant is predicted to impact splicing based on one available splicing algorithm (SpliceAI, Jaganathan et al. 2019. PubMed ID: 30661751). To our knowledge, this variant has not been reported in the literature. This variant is reported in 0.0056% of alleles in individuals of Latino descent in gnomAD. At this time, the clinical significance of this variant is uncertain due to the absence of conclusive functional and genetic evidence.